The following is an entry in ClinVar:

ClinVar aggregate classification (germline): Uncertain significance. Review status: criteria provided, multiple submitters, no conflicts (2 of 4 stars). 3 submissions from 3 submitters: Uncertain significance (3). Last evaluated 2026-03-03.

Conditions:
Supravalvar aortic stenosis (SVAS). Also called: Supravalvar aortic stenosis, Eisenberg type. Identifiers: Orphanet 3193, MedGen C0003499, MONDO:0008504, OMIM 185500, HP:0004381.
Inborn genetic diseases. Identifiers: MedGen C0950123, MeSH D030342.

Allele frequency attached by ClinVar (database versions not stated): gnomAD 0.00001; TOPMed 0.00001; ExAC 0.00003; gnomAD exomes 0.00003.
gnomAD v4.1: 44 of 1,613,498 alleles (0.0027%); highest among the groups gnomAD compares: South Asian, 0.013%; 2 homozygotes.

Submissions (3):

GeneDx
Classification: Uncertain significance. Last evaluated: 2026-03-03. Review status: criteria provided, single submitter. Criteria: GeneDx Variant Classification Process June 2021. Collection method: clinical testing. Allele origin: germline.
Comment: In silico analysis supports that this missense variant has a deleterious effect on protein structure/function; Has not been previously published as pathogenic or benign to our knowledge

Labcorp Genetics (formerly Invitae), Labcorp
Classification: Uncertain significance for Supravalvar aortic stenosis. Last evaluated: 2025-06-19. Review status: criteria provided, single submitter. Criteria: Invitae Variant Classification Sherloc (09022015). Collection method: clinical testing. Allele origin: germline.
Comment: This sequence change replaces glycine, which is neutral and non-polar, with arginine, which is basic and polar, at codon 424 of the ELN protein (p.Gly424Arg). This variant is present in population databases (rs782066007, gnomAD 0.01%). This variant has not been reported in the literature in individuals affected with ELN-related conditions. ClinVar contains an entry for this variant (Variation ID: 2194143). Experimental studies and prediction algorithms are not available or were not evaluated, and the functional significance of this variant is currently unknown. In summary, the available evidence is currently insufficient to determine the role of this variant in disease. Therefore, it has been classified as a Variant of Uncertain Significance.

Ambry Genetics
Classification: Uncertain significance for Inborn genetic diseases. Last evaluated: 2022-09-06. Review status: criteria provided, single submitter. Criteria: Ambry Variant Classification Scheme 2023. Collection method: clinical testing. Allele origin: germline.

NM_000501.4(ELN):c.1270G>A (p.Gly424Arg)

Gene: ELN (elastin; plus strand). Cytogenetic location: 7q11.23.
Variant type: single nucleotide variant.
Coding change: c.1270G>A on transcript NM_000501.4 (MANE Select); coding-DNA position 1270, G replaced by A.
Protein change: p.Gly424Arg; replaces glycine 424 with arginine.
Molecular consequence: missense variant. On other transcripts: intron variant (2).
Genome position (GRCh38, 1-based): chr7:74,056,390, G>A. VCF-style: chr7-74056390-G-A. GRCh37 (hg19) VCF-style: chr7-73470720-G-A.
Other names: c.1240G>A, p.Gly414Arg (NM_001081752.3, NM_001278917.2); c.1285G>A, p.Gly429Arg (NM_001081753.3, NM_001081754.3); c.1270G>A, p.Gly424Arg (NM_001081755.3, NM_001278912.2, NM_001278915.2 and 1 more transcripts); c.1255G>A, p.Gly419Arg (NM_001278914.2); c.1228G>A, p.Gly410Arg (NM_001278916.2); c.1129+33G>A (NM_001278913.2); c.1105+33G>A (NM_001278918.2); c.1270G>A (NM_000501.2); short protein forms G414R, G410R, G419R, G429R, G424R.
Identifiers: ClinVar variation 2194143 (VCV002194143.7), dbSNP rs782066007, ClinGen allele CA4292912.
Genomic context (GRCh38, chr7:74,056,390, plus strand): 5'-TTTCCCGGCTTTGGTGTCGGAGTCGGAGGTATCCCTGGAGTCGCAGGTGTCCCTGGTGTC[G>A]GAGGTGTTCCCGGAGTCGGAGGTGTCCCGGGAGTTGGCATTTCCCGTGAGCCTTAGTCAC-3'
Protein context (NP_000492.2, residues 414-434): IPGVAGVPGV[Gly424Arg]GVPGVGGVPG